The following is an entry in ClinVar:

ClinVar aggregate classification (germline): Conflicting classifications of pathogenicity. Review status: criteria provided, conflicting classifications (1 of 4 stars). 3 submissions from 3 submitters: Uncertain significance (2); Likely benign (1). Last evaluated 2026-01-17.

Conditions:
Schuurs-Hoeijmakers syndrome. Also called: PACS1-Related Neurodevelopmental Disorder. Identifiers: Orphanet 329224, MedGen C3554343, MONDO:0014006, OMIM 615009.

Allele frequency attached by ClinVar (database versions not stated): TOPMed 0.00001; 1000 Genomes Project 30x 0.00031; 1000 Genomes Project 0.00040.
gnomAD v4.1: 43 of 1,614,188 alleles (0.0027%); highest among the groups gnomAD compares: East Asian, 0.096%; no homozygotes.

Submissions (3):

Labcorp Genetics (formerly Invitae), Labcorp
Classification: Uncertain significance for Schuurs-Hoeijmakers syndrome. Last evaluated: 2026-01-17. Review status: criteria provided, single submitter. Criteria: Invitae Variant Classification Sherloc (09022015). Collection method: clinical testing. Allele origin: germline.
Comment: This sequence change replaces valine, which is neutral and non-polar, with methionine, which is neutral and non-polar, at codon 499 of the PACS1 protein (p.Val499Met). This variant is present in population databases (rs115813669, gnomAD 0.02%). This variant has not been reported in the literature in individuals affected with PACS1-related conditions. ClinVar contains an entry for this variant (Variation ID: 1012800). Invitae Evidence Modeling of protein sequence and biophysical properties (such as structural, functional, and spatial information, amino acid conservation, physicochemical variation, residue mobility, and thermodynamic stability) indicates that this missense variant is not expected to disrupt PACS1 protein function with a negative predictive value of 80%. In summary, the available evidence is currently insufficient to determine the role of this variant in disease. Therefore, it has been classified as a Variant of Uncertain Significance.

Fulgent Genetics
Classification: Uncertain significance for Schuurs-Hoeijmakers syndrome. Last evaluated: 2024-06-12. Review status: criteria provided, single submitter. Criteria: ACMG Guidelines, 2015. Collection method: clinical testing. Allele origin: germline.

CeGaT Center for Human Genetics Tuebingen
Classification: Likely benign. Last evaluated: 2020-11-01. Review status: criteria provided, single submitter. Criteria: CeGaT Center For Human Genetics Tuebingen Variant Classification Criteria Version 2. Collection method: clinical testing. Allele origin: germline. Affected: yes. Observed: 1 variant allele.

NM_018026.4(PACS1):c.1495G>A (p.Val499Met)

Gene: PACS1 (phosphofurin acidic cluster sorting protein 1; plus strand). Cytogenetic location: 11q13.2.
Variant type: single nucleotide variant.
Coding change: c.1495G>A on transcript NM_018026.4 (MANE Select); coding-DNA position 1495, G replaced by A.
Protein change: p.Val499Met; replaces valine 499 with methionine.
Molecular consequence: missense variant.
Genome position (GRCh38, 1-based): chr11:66,230,809, G>A. VCF-style: chr11-66230809-G-A. GRCh37 (hg19) VCF-style: chr11-65998280-G-A.
Other names: short protein forms V499M.
Identifiers: ClinVar variation 1012800 (VCV001012800.43), dbSNP rs115813669, ClinGen allele CA6116596.